The following is an entry in ClinVar:

ClinVar aggregate classification (germline): Uncertain significance (1 of 4 stars; one submission).

Allele frequency attached by ClinVar (database versions not stated): gnomAD 0.00001.

Submission:

Labcorp Genetics (formerly Invitae), Labcorp
Classification: Uncertain significance. Last evaluated: 2020-11-21. Review status: criteria provided, single submitter. Criteria: Invitae Variant Classification Sherloc (09022015). Collection method: clinical testing. Allele origin: germline.
Comment: This sequence change replaces glycine with serine at codon 8 of the UNC119 protein (p.Gly8Ser). The glycine residue is moderately conserved and there is a small physicochemical difference between glycine and serine. This variant has not been reported in the literature in individuals with UNC119-related conditions. Algorithms developed to predict the effect of missense changes on protein structure and function output the following: SIFT: "Not Available"; PolyPhen-2: "Probably Damaging"; Align-GVGD: "Not Available". The serine amino acid residue is found in multiple mammalian species, suggesting that this missense change does not adversely affect protein function. These predictions have not been confirmed by published functional studies and their clinical significance is uncertain. In summary, the available evidence is currently insufficient to determine the role of this variant in disease. Therefore, it has been classified as a Variant of Uncertain Significance. The frequency data for this variant in the population databases is considered unreliable, as metrics indicate insufficient coverage at this position in the ExAC database.

NM_005148.4(UNC119):c.22G>A (p.Gly8Ser)

Genes: UNC119 (unc-119 lipid binding chaperone; minus strand), LOC130060555 (ATAC-STARR-seq lymphoblastoid silent region 8343; plus strand). Cytogenetic location: 17q11.2.
Variant type: single nucleotide variant.
Coding change: c.22G>A on transcript NM_005148.4 (MANE Select); coding-DNA position 22, G replaced by A.
Protein change: p.Gly8Ser; replaces glycine 8 with serine.
Molecular consequence: missense variant. On other transcripts: 5 prime UTR variant (1).
Genome position (GRCh38, 1-based): chr17:28,552,536, C>T on the plus strand (G>A on the coding strand, the complement: UNC119 is on the minus strand). VCF-style: chr17-28552536-C-T. GRCh37 (hg19) VCF-style: chr17-26879554-C-T.
Other names: c.-292G>A (NM_001330166.2); c.22G>A, p.Gly8Ser (NM_054035.2); short protein forms G8S.
Identifiers: ClinVar variation 1487481 (VCV001487481.6), dbSNP rs1466913337, ClinGen allele CA398336917.